The following is an entry in ClinVar:

NM_001609.4(ACADSB):c.795C>G (p.Phe265Leu)

Gene: ACADSB (acyl-CoA dehydrogenase short/branched chain; plus strand). Cytogenetic location: 10q26.13.
Variant type: single nucleotide variant.
Coding change: c.795C>G on transcript NM_001609.4 (MANE Select); coding-DNA position 795, C replaced by G.
Protein change: p.Phe265Leu; replaces phenylalanine 265 with leucine.
Molecular consequence: missense variant.
Genome position (GRCh38, 1-based): chr10:123,043,159, C>G. VCF-style: chr10-123043159-C-G. GRCh37 (hg19) VCF-style: chr10-124802675-C-G.
Other names: c.489C>G, p.Phe163Leu (NM_001330174.3); short protein forms F163L, F265L.
Identifiers: ClinVar variation 2166220 (VCV002166220.4), dbSNP rs150619709, ClinGen allele CA5730808.

ClinVar aggregate classification (germline): Uncertain significance (1 of 4 stars; one submission).

Conditions:
Deficiency of 2-methylbutyryl-CoA dehydrogenase (ACADSB). Also called: 2-methylbutyryl-CoA dehydrogenase deficiency; SBCAD deficiency; 2-methylbutyric aciduria; Short branched-chain acyl-CoA dehydrogenase deficiency; 2-methylbutyrylglycinuria. Identifiers: Orphanet 79157, MedGen C1864912, MONDO:0012392, OMIM 610006, HP:0020147.

gnomAD v4.1: 11 of 1,613,732 alleles (0.00068%); highest among the groups gnomAD compares: Non-Finnish European, 0.000085%; no homozygotes.

Submission:

Labcorp Genetics (formerly Invitae), Labcorp
Classification: Uncertain significance for Deficiency of 2-methylbutyryl-CoA dehydrogenase. Last evaluated: 2022-02-17. Review status: criteria provided, single submitter. Criteria: Invitae Variant Classification Sherloc (09022015). Collection method: clinical testing. Allele origin: germline.
Comment: This variant is present in population databases (rs150619709, gnomAD 0.01%). This sequence change replaces phenylalanine, which is neutral and non-polar, with leucine, which is neutral and non-polar, at codon 265 of the ACADSB protein (p.Phe265Leu). This variant has not been reported in the literature in individuals affected with ACADSB-related conditions. In summary, the available evidence is currently insufficient to determine the role of this variant in disease. Therefore, it has been classified as a Variant of Uncertain Significance. Algorithms developed to predict the effect of missense changes on protein structure and function output the following: SIFT: "Tolerated"; PolyPhen-2: "Benign"; Align-GVGD: "Class C0". The leucine amino acid residue is found in multiple mammalian species, which suggests that this missense change does not adversely affect protein function.